The following is an entry in ClinVar:

NM_000441.2(SLC26A4):c.1545-5T>G

Gene: SLC26A4 (solute carrier family 26 member 4; plus strand). Cytogenetic location: 7q22.3.
Variant type: single nucleotide variant.
Coding change: c.1545-5T>G on transcript NM_000441.2 (MANE Select); 5 bases into the intron before coding-DNA position 1545, T replaced by G.
Molecular consequence: intron variant.
Genome position (GRCh38, 1-based): chr7:107,698,037, T>G. VCF-style: chr7-107698037-T-G. GRCh37 (hg19) VCF-style: chr7-107338482-T-G.
Identifiers: ClinVar variation 43513 (VCV000043513.64), dbSNP rs77944876, ClinGen allele CA132668.

ClinVar aggregate classification (germline): Benign/Likely benign. Review status: criteria provided, multiple submitters, no conflicts (2 of 4 stars). 13 submissions from 13 submitters: Benign (9); Likely benign (1). 3 of the submissions do not count toward it. Last evaluated 2026-05-12.

Conditions:
Autosomal recessive nonsyndromic hearing loss 4 (DFNB4). Also called: FOXI1-Related Pendred Syndrome; KCNJ10-Related Pendred Syndrome; DEAFNESS, AUTOSOMAL RECESSIVE 4, WITH ENLARGED VESTIBULAR AQUEDUCT, DIGENIC; Deafness, autosomal recessive 4; Nonsyndromic enlarged vestibular aqueduct (NSEVA); NEUROSENSORY NONSYNDROMIC RECESSIVE DEAFNESS 4. Identifiers: Orphanet 90636, MedGen C3538946, MONDO:0010933, OMIM 600791.
Pendred syndrome (PDS). Also called: Pendred's syndrome; DEAFNESS WITH GOITER; GOITER-DEAFNESS SYNDROME; HYPOTHYROIDISM, CONGENITAL, DUE TO DYSHORMONOGENESIS, 2B; THYROID DYSHORMONOGENESIS 2B; THYROID HORMONOGENESIS, GENETIC DEFECT IN, 2B. Identifiers: Orphanet 705, MedGen C0271829, MONDO:0010134, OMIM 274600.

Allele frequency attached by ClinVar (database versions not stated): gnomAD exomes 0.00234; ExAC 0.00279; TOPMed 0.00929; ESP Exome Variant Server 0.00992; 1000 Genomes Project 0.01158; 1000 Genomes Project 30x 0.01218.
gnomAD v4.1: 2,600 of 1,596,872 alleles (0.16%); highest among the groups gnomAD compares: African/African-American, 2.9%; 30 homozygotes.

Submissions (14):

Women's Health and Genetics/Laboratory Corporation of America, LabCorp
Classification: Likely benign. Last evaluated: 2026-05-12. Review status: criteria provided, single submitter. Criteria: LabCorp Variant Classification Summary - May 2015. Collection method: clinical testing. Allele origin: germline.

Labcorp Genetics (formerly Invitae), Labcorp
Classification: Benign. Last evaluated: 2026-01-31. Review status: criteria provided, single submitter. Criteria: Invitae Variant Classification Sherloc (09022015). Collection method: clinical testing. Allele origin: germline.

ARUP Laboratories, Molecular Genetics and Genomics, ARUP Laboratories
Classification: Benign. Last evaluated: 2023-11-29. Review status: criteria provided, single submitter. Criteria: ARUP Molecular Germline Variant Investigation Process 2024. Collection method: clinical testing. Allele origin: germline.

CeGaT Center for Human Genetics Tuebingen
Classification: Benign. Last evaluated: 2023-07-01. Review status: criteria provided, single submitter. Criteria: CeGaT Center For Human Genetics Tuebingen Variant Classification Criteria Version 2. Collection method: clinical testing. Allele origin: germline. Affected: yes. Observed: 2 variant alleles.
Comment: SLC26A4: BP4, BS1, BS2

Fulgent Genetics
Classification: Benign for Pendred syndrome; Autosomal recessive nonsyndromic hearing loss 4. Last evaluated: 2022-05-16. Review status: criteria provided, single submitter. Criteria: ACMG Guidelines, 2015. Collection method: clinical testing. Allele origin: unknown.

Athena Diagnostics
Classification: Benign. Last evaluated: 2018-09-17. Review status: criteria provided, single submitter. Criteria: Athena Diagnostics Criteria. Collection method: clinical testing. Allele origin: germline.

GeneDx
Classification: Benign. Last evaluated: 2018-09-07. Review status: criteria provided, single submitter. Criteria: GeneDx Variant Classification Process June 2021. Collection method: clinical testing. Allele origin: germline. Affected: yes.
Comment: This variant is associated with the following publications: (PMID: 23280318, 27884173, 16570074, 21704276, 28389359)

Eurofins Ntd Llc (ga)
Classification: Benign. Last evaluated: 2016-04-07. Review status: criteria provided, single submitter. Criteria: EGL Classification Definitions 2015. Collection method: clinical testing. Allele origin: germline. Observed: 1 variant allele, 1 heterozygote.

Laboratory for Molecular Medicine, Mass General Brigham Personalized Medicine
Classification: Benign. Last evaluated: 2011-11-03. Review status: criteria provided, single submitter. Criteria: LMM Criteria. Collection method: clinical testing. Allele origin: germline. Observed: 16 variant alleles.
Comment: 1545-5T>G in intron 13 of SLC26A4: This variant is not expected to have clinical significance because it has been identified dbSNP in 4.3% (20/468 chromosomes) of a broad population (dbSNP rs77944876).

Breakthrough Genomics
Classification: Benign. Review status: criteria provided, single submitter. Criteria: ACMG Guidelines, 2015. Collection method: not provided. Allele origin: germline. Inheritance: Autosomal recessive inheritance. Affected: yes.

Natera, Inc.
Classification: Benign for Pendred syndrome. Last evaluated: 2020-01-08. Review status: no assertion criteria provided. Collection method: clinical testing. Allele origin: germline. Not counted in ClinVar's aggregate classification.

Clinical Genetics, Academic Medical Center
Classification: Benign. Review status: no assertion criteria provided. Collection method: clinical testing. Allele origin: germline. Affected: yes. Study: VKGL Data-share Consensus. Not counted in ClinVar's aggregate classification.

Dr. Peter K. Rogan Lab, Western University
No classification provided (evidence only). Condition: Uterine corpus endometrial carcinoma. Review status: no classification provided. Collection method: in vitro. Allele origin: not applicable. Functional consequence: retained intron. Not counted in ClinVar's aggregate classification.

Joint Genome Diagnostic Labs from Nijmegen and Maastricht, Radboudumc and MUMC+
Classification: Benign. Review status: no assertion criteria provided. Collection method: clinical testing. Allele origin: germline. Affected: yes. Study: VKGL Data-share Consensus. Not counted in ClinVar's aggregate classification.

Literature cited by the submitters: PubMed 23280318 (cited by Athena Diagnostics); PubMed 27884173 (cited by Athena Diagnostics); PubMed 28389359 (cited by Athena Diagnostics); PubMed 21704276 (cited by Athena Diagnostics); PubMed 16570074 (cited by Athena Diagnostics and Laboratory for Molecular Medicine, Mass General Brigham Personalized Medicine).